The following is an entry in ClinVar:

NC_000018.9:g.(?_56411550)_(56415074_?)del

Gene: MALT1 (MALT1 paracaspase; plus strand). Cytogenetic location: 18q21.32.
Variant type: Deletion.
Identifiers: ClinVar variation 1449668 (VCV001449668.7).

ClinVar aggregate classification (germline): Uncertain significance (1 of 4 stars; one submission).

Conditions:
Combined immunodeficiency due to MALT1 deficiency. Also called: Immunodeficiency 12. Identifiers: Orphanet 397964, MedGen C3809583, MONDO:0014197, OMIM 615468.

Submission:

Labcorp Genetics (formerly Invitae), Labcorp
Classification: Uncertain significance for Combined immunodeficiency due to MALT1 deficiency. Last evaluated: 2022-07-19. Review status: criteria provided, single submitter. Criteria: Invitae Variant Classification Sherloc (09022015). Collection method: clinical testing. Allele origin: germline.
Comment: This variant is a gross deletion of the genomic region encompassing exon(s) 15-17 of the MALT1 gene, which includes the termination codon. This deletion extends beyond the assayed region for this gene and therefore may encompass additional genes. While this deletion is not anticipated to lead to nonsense mediated decay, it is expected to alter mRNA translation or result in a truncated protein product. This variant has not been reported in the literature in individuals affected with MALT1-related conditions. Experimental studies and prediction algorithms are not available or were not evaluated, and the functional significance of this variant is currently unknown. In summary, the available evidence is currently insufficient to determine the role of this variant in disease. Therefore, it has been classified as a Variant of Uncertain Significance.